The following is an entry in ClinVar:

NM_000038.6(APC):c.417A>G (p.Lys139=)

Gene: APC (APC regulator of Wnt signaling pathway; plus strand). Cytogenetic location: 5q22.2.
Variant type: single nucleotide variant.
Coding change: c.417A>G on transcript NM_000038.6 (MANE Select); coding-DNA position 417, A replaced by G.
Protein change: p.Lys139=; no amino-acid change (lysine 139 retained).
Molecular consequence: synonymous variant. On other transcripts: 5 prime UTR variant (1).
Genome position (GRCh38, 1-based): chr5:112,767,385, A>G. VCF-style: chr5-112767385-A-G. GRCh37 (hg19) VCF-style: chr5-112103082-A-G.
Other names: c.417A>G, p.Lys139= (NM_001127510.3, NM_001354895.2, NM_001354896.2 and 2 more transcripts); c.447A>G, p.Lys149= (NM_001127511.3, NM_001354897.2, NM_001354902.2); c.342A>G, p.Lys114= (NM_001354898.2, NM_001354904.2); c.240A>G, p.Lys80= (NM_001354900.2, NM_001354901.2, NM_001354905.2); c.-619A>G (NM_001354906.2).
Identifiers: ClinVar variation 485106 (VCV000485106.18), dbSNP rs1554069848, ClinGen allele CA445753442.

ClinVar aggregate classification (germline): Benign/Likely benign. Review status: criteria provided, multiple submitters, no conflicts (2 of 4 stars). 6 submissions from 6 submitters: Benign (1); Likely benign (5). Last evaluated 2025-09-19.

Conditions:
Familial adenomatous polyposis 1 (FAP1). Also called: FAMILIAL ADENOMATOUS POLYPOSIS 1, ATTENUATED; POLYPOSIS, ADENOMATOUS INTESTINAL. Identifiers: MedGen C2713442, MONDO:0021056, OMIM 175100. Disease mechanism: loss of function.
Hereditary cancer-predisposing syndrome. Also called: Neoplastic Syndromes, Hereditary; Tumor predisposition; Hereditary Cancer Syndrome; Hereditary neoplastic syndrome. Identifiers: Orphanet 140162, MedGen C0027672, MeSH D009386, MONDO:0015356.
Classic or attenuated familial adenomatous polyposis. Identifiers: MedGen CN372698, MONDO:0021057.

Allele frequency attached by ClinVar (database versions not stated): gnomAD exomes below 0.00001.
gnomAD v4.1: 4 of 1,613,448 alleles (0.00025%); highest among the groups gnomAD compares: Non-Finnish European, 0.00034%; no homozygotes.

Submissions (6):

Labcorp Genetics (formerly Invitae), Labcorp
Classification: Likely benign for Familial adenomatous polyposis 1. Last evaluated: 2025-09-19. Review status: criteria provided, single submitter. Criteria: Invitae Variant Classification Sherloc (09022015). Collection method: clinical testing. Allele origin: germline.

Myriad Genetics, Inc.
Classification: Benign for Familial adenomatous polyposis 1. Last evaluated: 2024-02-23. Review status: criteria provided, single submitter. Criteria: Myriad Autosomal Dominant, Autosomal Recessive and X-Linked Classification Criteria (2023). Collection method: clinical testing. Allele origin: unknown.
Comment: This variant is considered benign. This variant is a silent/synonymous amino acid change and it is not expected to impact splicing.

All of Us Research Program, National Institutes of Health
Classification: Likely benign for Classic or attenuated familial adenomatous polyposis. Last evaluated: 2023-10-23. Review status: criteria provided, single submitter. Criteria: ACMG Guidelines, 2015. Collection method: clinical testing. Allele origin: germline. Inheritance: Autosomal dominant inheritance. Observed: 2 variant alleles, 2 heterozygotes.
Comment: This study involves interpretation of variants in research participants for the purpose of population health screening. Participant phenotype was not available at the time of variant classification. Additional details can be found in publication PMID: 35346344, PMCID: PMC8962531

Women's Health and Genetics/Laboratory Corporation of America, LabCorp
Classification: Likely benign. Last evaluated: 2021-04-23. Review status: criteria provided, single submitter. Criteria: LabCorp Variant Classification Summary - May 2015. Collection method: clinical testing. Allele origin: germline.

Color Diagnostics, LLC DBA Color Health
Classification: Likely benign for Hereditary cancer-predisposing syndrome. Last evaluated: 2019-06-19. Review status: criteria provided, single submitter. Criteria: ACMG Guidelines, 2015. Collection method: clinical testing. Allele origin: germline.

Ambry Genetics
Classification: Likely benign for Hereditary cancer-predisposing syndrome. Last evaluated: 2016-11-30. Review status: criteria provided, single submitter. Criteria: Ambry Variant Classification Scheme 2023. Collection method: clinical testing. Allele origin: germline.